The following is an entry in ClinVar:

NM_017791.3(FLVCR2):c.364G>A (p.Ala122Thr)

Genes: FLVCR2 (FLVCR choline and putative heme transporter 2; plus strand), FLVCR2-AS1 (FLVCR2 antisense RNA 1; minus strand). Cytogenetic location: 14q24.3.
Variant type: single nucleotide variant.
Coding change: c.364G>A on transcript NM_017791.3 (MANE Select); coding-DNA position 364, G replaced by A.
Protein change: p.Ala122Thr; replaces alanine 122 with threonine.
Molecular consequence: missense variant. On other transcripts: non-coding transcript variant (1).
Genome position (GRCh38, 1-based): chr14:75,579,336, G>A. VCF-style: chr14-75579336-G-A. GRCh37 (hg19) VCF-style: chr14-76045679-G-A.
Other names: c.364G>A (NM_017791.2); short protein forms A122T.
Identifiers: ClinVar variation 2067017 (VCV002067017.5), dbSNP rs147535419, ClinGen allele CA7278202.

ClinVar aggregate classification (germline): Likely benign. Review status: criteria provided, multiple submitters, no conflicts (2 of 4 stars). 2 submissions from 2 submitters: Likely benign (2). Last evaluated 2025-11-04.

Conditions:
FLVCR2-related disorder. Also called: FLVCR2-related condition.

Allele frequency attached by ClinVar (database versions not stated): ExAC 0.00030; 1000 Genomes Project 30x 0.00062; 1000 Genomes Project 0.00080; gnomAD 0.00086; TOPMed 0.00090; ESP Exome Variant Server 0.00131.
gnomAD v4.1: 223 of 1,614,164 alleles (0.014%); highest among the groups gnomAD compares: African/African-American, 0.28%; 1 homozygote.

Submissions (2):

Labcorp Genetics (formerly Invitae), Labcorp
Classification: Likely benign. Last evaluated: 2025-11-04. Review status: criteria provided, single submitter. Criteria: Invitae Variant Classification Sherloc (09022015). Collection method: clinical testing. Allele origin: germline.

PreventionGenetics, part of Exact Sciences
Classification: Likely benign for FLVCR2-related condition. Last evaluated: 2025-06-28. Review status: criteria provided, single submitter. Criteria: ACMG Guidelines, 2015. Collection method: clinical testing. Allele origin: germline.
Comment: This variant is classified as likely benign based on ACMG/AMP sequence variant interpretation guidelines (Richards et al. 2015 PMID: 25741868, with internal and published modifications).